The following is an entry in ClinVar:

ClinVar aggregate classification (germline): Uncertain significance (1 of 4 stars; one submission).

Allele frequency attached by ClinVar (database versions not stated): TOPMed below 0.00001; gnomAD 0.00001; gnomAD exomes 0.00001 and 0.00002; ExAC 0.00002; ESP Exome Variant Server 0.00008.
gnomAD v4.1: 16 of 1,609,288 alleles (0.00099%); highest among the groups gnomAD compares: Middle Eastern, 0.05%; no homozygotes.

Submission:

GeneDx
Classification: Uncertain significance. Last evaluated: 2020-01-22. Review status: criteria provided, single submitter. Criteria: GeneDx Variant Classification Process June 2021. Collection method: clinical testing. Allele origin: germline. Affected: yes.
Comment: In silico analysis, which includes protein predictors and evolutionary conservation, supports that this variant does not alter protein structure/function; Has not been previously published as pathogenic or benign to our knowledge

NM_014738.6(TMEM94):c.1136T>C (p.Leu379Pro)

Gene: TMEM94 (transmembrane protein 94; plus strand). Cytogenetic location: 17q25.1.
Variant type: single nucleotide variant.
Coding change: c.1136T>C on transcript NM_014738.6 (MANE Select); coding-DNA position 1136, T replaced by C.
Protein change: p.Leu379Pro; replaces leucine 379 with proline.
Molecular consequence: missense variant.
Genome position (GRCh38, 1-based): chr17:75,491,056, T>C. VCF-style: chr17-75491056-T-C. GRCh37 (hg19) VCF-style: chr17-73487137-T-C.
Other names: c.1166T>C, p.Leu389Pro (NM_001321148.2, NM_001351203.2); c.1136T>C, p.Leu379Pro (NM_001321149.2, NM_001351202.2); short protein forms L379P, L389P.
Identifiers: ClinVar variation 1197154 (VCV001197154.2), dbSNP rs148991706, ClinGen allele CA8761745.